The following is an entry in ClinVar:

ClinVar aggregate classification (germline): Likely benign. Review status: criteria provided, multiple submitters, no conflicts (2 of 4 stars). 2 submissions from 2 submitters: Likely benign (2). Last evaluated 2019-07-11.

Conditions:
Inborn genetic diseases. Identifiers: MedGen C0950123, MeSH D030342.

gnomAD v4.1: 8 of 1,614,030 alleles (0.0005%); highest among the groups gnomAD compares: Non-Finnish European, 0.00068%; no homozygotes.

Submissions (2):

Ambry Genetics
Classification: Likely benign for Inborn genetic diseases. Last evaluated: 2019-07-11. Review status: criteria provided, single submitter. Criteria: Ambry Variant Classification Scheme 2023. Collection method: clinical testing. Allele origin: germline.

GeneDx
Classification: Likely benign. Last evaluated: 2017-06-15. Review status: criteria provided, single submitter. Criteria: GeneDx Variant Classification (06012015). Collection method: clinical testing. Allele origin: germline. Affected: yes.
Comment: This variant is considered likely benign or benign based on one or more of the following criteria: it is a conservative change, it occurs at a poorly conserved position in the protein, it is predicted to be benign by multiple in silico algorithms, and/or has population frequency not consistent with disease.

NM_003680.4(YARS1):c.678A>G (p.Ser226=)

Gene: YARS1 (tyrosyl-tRNA synthetase 1; minus strand). Cytogenetic location: 1p35.1.
Variant type: single nucleotide variant.
Coding change: c.678A>G on transcript NM_003680.4 (MANE Select); coding-DNA position 678, A replaced by G.
Protein change: p.Ser226=; no amino-acid change (serine 226 retained).
Molecular consequence: synonymous variant.
Genome position (GRCh38, 1-based): chr1:32,791,168, T>C on the plus strand (A>G on the coding strand, the complement: YARS1 is on the minus strand). VCF-style: chr1-32791168-T-C. GRCh37 (hg19) VCF-style: chr1-33256769-T-C.
Identifiers: ClinVar variation 510054 (VCV000510054.3), dbSNP rs1553123699, ClinGen allele CA417066338.